The following is an entry in ClinVar:

ClinVar aggregate classification (germline): Pathogenic (0 of 4 stars; one submission).

Conditions:
NPHS2-related disorder. Also called: NPHS2-related condition.

Submission:

PreventionGenetics, part of Exact Sciences
Classification: Pathogenic for NPHS2-related condition. Last evaluated: 2024-03-16. Review status: no assertion criteria provided. Collection method: clinical testing. Allele origin: germline.
Comment: The NPHS2 c.824dupA variant is predicted to result in a frameshift and premature protein termination (p.His276Alafs*8). This variant was reported in an individual with steroid resistant nephrotic syndrome (Bouchireb et al. 2014. PubMed ID: 24227627). This variant has not been reported in a large population database, indicating this variant is rare. Frameshift variants in NPHS2 are expected to be pathogenic. This variant is interpreted as pathogenic.

NM_014625.4(NPHS2):c.824dup (p.His276fs)

Genes: AXDND1 (axonemal dynein light chain domain containing 1; plus strand), NPHS2 (NPHS2 stomatin family member, podocin; minus strand). Cytogenetic location: 1q25.2.
Variant type: Duplication.
Coding change: c.824dup on transcript NM_014625.4 (MANE Select); coding-DNA position 824, one base duplicated (A; older notation c.824dupA).
Protein change: p.His276fs; shifts the reading frame from histidine 276.
Molecular consequence: frameshift variant. On other transcripts: intron variant (1).
Genome position (GRCh38, 1-based): chr1:179,552,652, T duplicated on the plus strand (A on the coding strand, the reverse complement: NPHS2 is on the minus strand). VCF-style (leftmost placement, unchanged base first): chr1-179552651-C-CT. GRCh37 (hg19) VCF-style: chr1-179521786-C-CT.
Other names: c.620dup, p.His208fs (NM_001297575.2); c.3032-1860dup (NM_144696.6); c.824dupA (NM_014625.3); short protein forms H208fs, H276fs.
Identifiers: ClinVar variation 3349861 (VCV003349861.1).